The following is an entry in ClinVar:

NM_001165963.4(SCN1A):c.1232C>T (p.Ser411Leu)

Gene: SCN1A (sodium voltage-gated channel alpha subunit 1; minus strand). Cytogenetic location: 2q24.3.
Variant type: single nucleotide variant.
Coding change: c.1232C>T on transcript NM_001165963.4 (MANE Select); coding-DNA position 1232, C replaced by T.
Protein change: p.Ser411Leu; replaces serine 411 with leucine.
Molecular consequence: missense variant. On other transcripts: 5 prime UTR variant (1), non-coding transcript variant (1).
Genome position (GRCh38, 1-based): chr2:166,046,915, G>A on the plus strand (C>T on the coding strand, the complement: SCN1A is on the minus strand). VCF-style: chr2-166046915-G-A. GRCh37 (hg19) VCF-style: chr2-166903425-G-A.
Other names: c.1232C>T, p.Ser411Leu (NM_001165964.3, NM_001202435.3, NM_001353948.2 and 10 more transcripts); c.-1194C>T (NM_001353961.2); c.1232C>T (NM_001165963.1); short protein forms S411L.
Identifiers: ClinVar variation 1999484 (VCV001999484.5), dbSNP rs2105862310, ClinGen allele CA349070923.

ClinVar aggregate classification (germline): Pathogenic. Review status: criteria provided, multiple submitters, no conflicts (2 of 4 stars). 2 submissions from 2 submitters: Pathogenic (2). Last evaluated 2025-06-26.

Conditions:
Early-infantile DEE. Also called: Ohtahara syndrome; Early infantile epileptic encephalopathy; Early infantile epileptic encephalopathy with suppression bursts. Identifiers: Orphanet 1934, MedGen C0393706, MONDO:0800491.

Submissions (2):

GeneDx
Classification: Pathogenic. Last evaluated: 2025-06-26. Review status: criteria provided, single submitter. Criteria: GeneDx Variant Classification Process June 2021. Collection method: clinical testing. Allele origin: germline. Affected: yes.
Comment: Not observed at significant frequency in large population cohorts (gnomAD); In silico analysis supports that this missense variant has a deleterious effect on protein structure/function; Has not been previously published as pathogenic or benign to our knowledge; This substitution is predicted to be within the transmembrane segment S6 of the first homologous domain

Labcorp Genetics (formerly Invitae), Labcorp
Classification: Pathogenic for Early-infantile DEE. Last evaluated: 2022-09-28. Review status: criteria provided, single submitter. Criteria: Invitae Variant Classification Sherloc (09022015). Collection method: clinical testing. Allele origin: germline.
Comment: This sequence change replaces serine, which is neutral and polar, with leucine, which is neutral and non-polar, at codon 411 of the SCN1A protein (p.Ser411Leu). This variant is not present in population databases (gnomAD no frequency). This missense change has been observed in individual(s) with clinical features of SCN1A-related conditions (Invitae). In at least one individual the variant was observed to be de novo. Advanced modeling of protein sequence and biophysical properties (such as structural, functional, and spatial information, amino acid conservation, physicochemical variation, residue mobility, and thermodynamic stability) performed at Invitae indicates that this missense variant is expected to disrupt SCN1A protein function. For these reasons, this variant has been classified as Pathogenic.